The following is an entry in ClinVar:

ClinVar aggregate classification (germline): Uncertain significance (1 of 4 stars; one submission).

Conditions:
Van der Woude syndrome. Identifiers: Orphanet 888, MedGen C0175697, MONDO:0019508.
Orofacial cleft 6, susceptibility to (OFC6). Also called: CLEFT LIP WITH OR WITHOUT CLEFT PALATE, NONSYNDROMIC, 6. Identifiers: MedGen C1837213, MONDO:0012141, OMIM 608864.
Popliteal pterygium syndrome (PPS). Identifiers: Orphanet 294963, MedGen C0265259, MONDO:0017435.

Submission:

Labcorp Genetics (formerly Invitae), Labcorp
Classification: Uncertain significance for Orofacial cleft 6, susceptibility to; Van der Woude syndrome; Popliteal pterygium syndrome. Last evaluated: 2020-08-25. Review status: criteria provided, single submitter. Criteria: Invitae Variant Classification Sherloc (09022015). Collection method: clinical testing. Allele origin: germline.
Comment: This variant, c.199_213dup, results in the insertion of 5 amino acid(s) to the IRF6 protein (p.Tyr67_Val71dup), but otherwise preserves the integrity of the reading frame. This variant is not present in population databases (ExAC no frequency). This variant has not been reported in the literature in individuals with IRF6-related conditions. Experimental studies and prediction algorithms are not available or were not evaluated, and the functional significance of this variant is currently unknown. In summary, the available evidence is currently insufficient to determine the role of this variant in disease. Therefore, it has been classified as a Variant of Uncertain Significance.

NM_006147.4(IRF6):c.199_213dup (p.Tyr67_Val71dup)

Gene: IRF6 (interferon regulatory factor 6; minus strand). Cytogenetic location: 1q32.2.
Variant type: Duplication.
Coding change: c.199_213dup on transcript NM_006147.4 (MANE Select); coding-DNA positions 199 to 213, 15 bases duplicated (TACCAGGAAGGGGTG).
Protein change: p.Tyr67_Val71dup.
Molecular consequence: inframe insertion. On other transcripts: 5 prime UTR variant (1).
Genome position (GRCh38, 1-based): chr1:209,796,514-209,796,528, CACCCCTTCCTGGTA duplicated on the plus strand (TACCAGGAAGGGGTG on the coding strand, the reverse complement: IRF6 is on the minus strand); duplicating any 15 consecutive bases within chr1:209,796,514-209,796,529 gives the same sequence; the c. name uses the placement nearest the transcript's 3' end. VCF-style (leftmost placement, unchanged base first): chr1-209796513-C-CCACCCCTTCCTGGTA. GRCh37 (hg19) VCF-style: chr1-209969858-C-CCACCCCTTCCTGGTA.
Other names: c.-87_-73dup (NM_001206696.2).
Identifiers: ClinVar variation 1042039 (VCV001042039.9), dbSNP rs2077902226, ClinGen allele CA2484367653.